The following is an entry in ClinVar:

ClinVar aggregate classification (germline): Uncertain significance. Review status: criteria provided, multiple submitters, no conflicts (2 of 4 stars). 2 submissions from 2 submitters: Uncertain significance (2). Last evaluated 2024-03-20.

Conditions:
Joubert syndrome. Also called: Familial aplasia of the vermis; CEREBELLOPARENCHYMAL DISORDER IV; JOUBERT-BOLTSHAUSER SYNDROME. Identifiers: Orphanet 475, MedGen C5979921, MONDO:0018772.
Meckel-Gruber syndrome. Also called: Dysencephalia splachnocystica; DYSENCEPHALIA SPLANCHNOCYSTICA; GRUBER SYNDROME. Identifiers: Orphanet 564, MedGen C0265215, MONDO:0018921.
Nephronophthisis. Also called: Juvenile Nephronophthisis. Identifiers: Orphanet 655, MedGen C0687120, MONDO:0019005, HP:0000090.
Leber congenital amaurosis 10 (LCA10). Identifiers: Orphanet 65, MedGen C1857821, MONDO:0012723, OMIM 611755.
Meckel syndrome, type 4 (MKS4). Also called: MECKEL-GRUBER SYNDROME, TYPE 4. Identifiers: Orphanet 564, MedGen C1970161, MONDO:0012626, OMIM 611134.
Joubert syndrome 5 (JBTS5). Identifiers: Orphanet 2318, MedGen C1857780, MONDO:0012432, OMIM 610188.
Bardet-Biedl syndrome 14 (BBS14). Identifiers: Orphanet 110, MedGen C2673874, MONDO:0014442, OMIM 615991.
Senior-Loken syndrome 6 (SLSN6). Identifiers: Orphanet 3156, MedGen C1857779, MONDO:0012433, OMIM 610189.

Submissions (2):

Fulgent Genetics
Classification: Uncertain significance for Joubert syndrome 5; Senior-Loken syndrome 6; Meckel syndrome, type 4; Leber congenital amaurosis 10; Bardet-Biedl syndrome 14. Last evaluated: 2024-03-20. Review status: criteria provided, single submitter. Criteria: ACMG Guidelines, 2015. Collection method: clinical testing. Allele origin: germline.

Labcorp Genetics (formerly Invitae), Labcorp
Classification: Uncertain significance for Joubert syndrome; Meckel-Gruber syndrome; Nephronophthisis. Last evaluated: 2021-08-28. Review status: criteria provided, single submitter. Criteria: Invitae Variant Classification Sherloc (09022015). Collection method: clinical testing. Allele origin: germline.
Comment: This sequence change replaces glutamic acid with aspartic acid at codon 97 of the CEP290 protein (p.Glu97Asp). The glutamic acid residue is moderately conserved and there is a small physicochemical difference between glutamic acid and aspartic acid. This variant is not present in population databases (ExAC no frequency). This variant has not been reported in the literature in individuals affected with CEP290-related conditions. Algorithms developed to predict the effect of missense changes on protein structure and function are either unavailable or do not agree on the potential impact of this missense change (SIFT: "Deleterious"; PolyPhen-2: "Probably Damaging"; Align-GVGD: "Class C0"). In summary, the available evidence is currently insufficient to determine the role of this variant in disease. Therefore, it has been classified as a Variant of Uncertain Significance.

NM_025114.4(CEP290):c.291A>T (p.Glu97Asp)

Gene: CEP290 (centrosomal protein 290; minus strand). Cytogenetic location: 12q21.32.
Variant type: single nucleotide variant.
Coding change: c.291A>T on transcript NM_025114.4 (MANE Select); coding-DNA position 291, A replaced by T.
Protein change: p.Glu97Asp; replaces glutamic acid 97 with aspartic acid.
Molecular consequence: missense variant.
Genome position (GRCh38, 1-based): chr12:88,139,151, T>A on the plus strand (A>T on the coding strand, the complement: CEP290 is on the minus strand). VCF-style: chr12-88139151-T-A. GRCh37 (hg19) VCF-style: chr12-88532928-T-A.
Other names: short protein forms E97D.
Identifiers: ClinVar variation 1039611 (VCV001039611.3), dbSNP rs757402765, ClinGen allele CA385988618.